The following is an entry in ClinVar:

NM_015425.6(POLR1A):c.2254G>T (p.Ala752Ser)

Gene: POLR1A (RNA polymerase I subunit A; minus strand). Cytogenetic location: 2p11.2.
Variant type: single nucleotide variant.
Coding change: c.2254G>T on transcript NM_015425.6 (MANE Select); coding-DNA position 2254, G replaced by T.
Protein change: p.Ala752Ser; replaces alanine 752 with serine.
Molecular consequence: missense variant.
Genome position (GRCh38, 1-based): chr2:86,052,955, C>A on the plus strand (G>T on the coding strand, the complement: POLR1A is on the minus strand). VCF-style: chr2-86052955-C-A. GRCh37 (hg19) VCF-style: chr2-86280078-C-A.
Other names: c.2254G>T (NM_015425.3); short protein forms A752S.
Identifiers: ClinVar variation 1512553 (VCV001512553.8), dbSNP rs202184829, ClinGen allele CA1746117.

ClinVar aggregate classification (germline): Uncertain significance. Review status: criteria provided, multiple submitters, no conflicts (2 of 4 stars). 2 submissions from 2 submitters: Uncertain significance (2). Last evaluated 2025-10-02.

Conditions:
Inborn genetic diseases. Identifiers: MedGen C0950123, MeSH D030342.

Allele frequency attached by ClinVar (database versions not stated): ESP Exome Variant Server 0.00008; ExAC 0.00019; gnomAD 0.00021 and 0.00022; gnomAD exomes 0.00021 and 0.00043; TOPMed 0.00032.
gnomAD v4.1: 652 of 1,607,506 alleles (0.041%); highest among the groups gnomAD compares: Non-Finnish European, 0.051%; no homozygotes.

Submissions (2):

Labcorp Genetics (formerly Invitae), Labcorp
Classification: Uncertain significance. Last evaluated: 2025-10-02. Review status: criteria provided, single submitter. Criteria: Invitae Variant Classification Sherloc (09022015). Collection method: clinical testing. Allele origin: germline.
Comment: This sequence change replaces alanine, which is neutral and non-polar, with serine, which is neutral and polar, at codon 752 of the POLR1A protein (p.Ala752Ser). This variant is present in population databases (rs202184829, gnomAD 0.05%). This variant has not been reported in the literature in individuals affected with POLR1A-related conditions. ClinVar contains an entry for this variant (Variation ID: 1512553). Invitae Evidence Modeling of protein sequence and biophysical properties (such as structural, functional, and spatial information, amino acid conservation, physicochemical variation, residue mobility, and thermodynamic stability) indicates that this missense variant is expected to disrupt POLR1A protein function with a positive predictive value of 80%. In summary, the available evidence is currently insufficient to determine the role of this variant in disease. Therefore, it has been classified as a Variant of Uncertain Significance.

Ambry Genetics
Classification: Uncertain significance for Inborn genetic diseases. Last evaluated: 2025-08-12. Review status: criteria provided, single submitter. Criteria: Ambry Variant Classification Scheme 2023. Collection method: clinical testing. Allele origin: germline.